The following is an entry in ClinVar:

ClinVar aggregate classification (germline): Pathogenic (1 of 4 stars; one submission).

Allele frequency attached by ClinVar (database versions not stated): gnomAD exomes below 0.00001; ExAC 0.00001.
gnomAD v4.1: 2 of 1,613,678 alleles (0.00012%); highest among the groups gnomAD compares: Non-Finnish European, 0.00017%; no homozygotes.

Submission:

Labcorp Genetics (formerly Invitae), Labcorp
Classification: Pathogenic. Last evaluated: 2023-02-25. Review status: criteria provided, single submitter. Criteria: Invitae Variant Classification Sherloc (09022015). Collection method: clinical testing. Allele origin: germline.
Comment: This sequence change affects a donor splice site in intron 3 of the HSD3B2 gene. While this variant is not anticipated to result in nonsense mediated decay, it likely alters RNA splicing and results in a disrupted protein product. For these reasons, this variant has been classified as Pathogenic. This variant disrupts a region of the HSD3B2 protein in which other variant(s) (p.Trp345*) have been determined to be pathogenic (PMID: 18252794; Invitae). This suggests that this is a clinically significant region of the protein, and that variants that disrupt it are likely to be disease-causing. Variants that disrupt the consensus splice site are a relatively common cause of aberrant splicing (PMID: 17576681, 9536098). Algorithms developed to predict the effect of sequence changes on RNA splicing suggest that this variant may disrupt the consensus splice site. ClinVar contains an entry for this variant (Variation ID: 1964067). This variant has not been reported in the literature in individuals affected with HSD3B2-related conditions. This variant is present in population databases (rs776761493, gnomAD 0.003%).

Literature cited by the submitters: PubMed 18252794; PubMed 17576681; PubMed 9536098.

NM_000198.4(HSD3B2):c.307+1G>A

Gene: HSD3B2 (hydroxy-delta-5-steroid dehydrogenase, 3 beta- and steroid delta-isomerase 2; plus strand). Cytogenetic location: 1p12.
Variant type: single nucleotide variant.
Coding change: c.307+1G>A on transcript NM_000198.4 (MANE Select); the canonical splice donor site of the intron after coding-DNA position 307, G replaced by A.
Molecular consequence: splice donor variant.
Genome position (GRCh38, 1-based): chr1:119,419,583, G>A. VCF-style: chr1-119419583-G-A. GRCh37 (hg19) VCF-style: chr1-119962206-G-A.
Other names: c.307+1G>A (NM_001166120.2).
Identifiers: ClinVar variation 1964067 (VCV001964067.6), dbSNP rs776761493, ClinGen allele CA1035936.